The following is an entry in ClinVar:

NM_000271.5(NPC1):c.2128C>T (p.Gln710Ter)

Gene: NPC1 (NPC intracellular cholesterol transporter 1; minus strand). Cytogenetic location: 18q11.2.
Variant type: single nucleotide variant.
Coding change: c.2128C>T on transcript NM_000271.5 (MANE Select); coding-DNA position 2128, C replaced by T.
Protein change: p.Gln710Ter; replaces glutamine 710 with a stop codon.
Molecular consequence: nonsense.
Genome position (GRCh38, 1-based): chr18:23,544,346, G>A on the plus strand (C>T on the coding strand, the complement: NPC1 is on the minus strand). VCF-style: chr18-23544346-G-A. GRCh37 (hg19) VCF-style: chr18-21124310-G-A.
Other names: short protein forms Q710*.
Identifiers: ClinVar variation 132894 (VCV000132894.2), dbSNP rs483352889, ClinGen allele CA269825.

ClinVar aggregate classification (germline): Pathogenic (0 of 4 stars; one submission).

Conditions:
Niemann-Pick disease, type C1. Also called: NIEMANN-PICK DISEASE, VARIANT TYPE C1; NEUROVISCERAL STORAGE DISEASE WITH VERTICAL SUPRANUCLEAR OPHTHALMOPLEGIA; NIEMANN-PICK DISEASE WITH CHOLESTEROL ESTERIFICATION BLOCK; NIEMANN-PICK DISEASE WITHOUT SPHINGOMYELINASE DEFICIENCY; NIEMANN-PICK DISEASE, CHRONIC NEURONOPATHIC FORM. Identifiers: Orphanet 646, MedGen C3179455, MONDO:0009757, OMIM 257220.

Submission:

Shanghain Institute for Pediatric Research
Classification: Pathogenic for Niemann-Pick disease type C1. Review status: no assertion criteria provided. Collection method: not provided. Allele origin: germline.
ClinVar note: Converted during submission from pathogenic to Pathogenic.